The following is an entry in ClinVar:

ClinVar aggregate classification (germline): Uncertain significance (1 of 4 stars; one submission).

Conditions:
Renal cysts and diabetes syndrome (RCAD). Also called: Familial hypoplastic, glomerulocystic kidney; MATURITY-ONSET DIABETES OF THE YOUNG, TYPE 5. Identifiers: Orphanet 93111, MedGen C0431693, MONDO:0007669, OMIM 137920.
Nonpapillary renal cell carcinoma. Identifiers: Orphanet 422526, MedGen CN074294, MONDO:0007763, OMIM 144700.
Type 2 diabetes mellitus. Also called: Type II diabetes mellitus. Identifiers: MedGen C0011860, MeSH D003924, MONDO:0005148, OMIM 125853, HP:0005978.

Submission:

Juno Genomics, Hangzhou Juno Genomics, Inc
Classification: Uncertain significance for Nonpapillary renal cell carcinoma; Renal cysts and diabetes syndrome; Type 2 diabetes mellitus. Review status: criteria provided, single submitter. Criteria: ACMG Guidelines, 2015. Collection method: clinical testing. Allele origin: germline.
Comment: Null variant in a gene where loss of function (LOF) is a known mechanism of disease.;Absent from controls (or at extremely low frequency if recessive) in Genome Aggregation Database.

NM_000458.4(HNF1B):c.1534+1G>A

Gene: HNF1B (HNF1 homeobox B; minus strand). Cytogenetic location: 17q12.
Variant type: single nucleotide variant.
Coding change: c.1534+1G>A on transcript NM_000458.4 (MANE Select); the canonical splice donor site of the intron after coding-DNA position 1534, G replaced by A.
Molecular consequence: splice donor variant. On other transcripts: intron variant (1).
Genome position (GRCh38, 1-based): chr17:37,700,982, C>T on the plus strand (G>A on the coding strand, the complement: HNF1B is on the minus strand). VCF-style: chr17-37700982-C-T. GRCh37 (hg19) VCF-style: chr17-36060987-C-T.
Other names: c.1261+3935G>A (NM_001304286.2); c.1456+1G>A (NM_001165923.4); c.1534+1G>A (NM_001411100.1).
Identifiers: ClinVar variation 5005743 (VCV005005743.2).